The following is an entry in ClinVar:

NM_015311.3(OBSL1):c.2595G>A (p.Val865=)

Gene: OBSL1 (obscurin like cytoskeletal adaptor 1; minus strand). Cytogenetic location: 2q35.
Variant type: single nucleotide variant.
Coding change: c.2595G>A on transcript NM_015311.3 (MANE Select); coding-DNA position 2595, G replaced by A.
Protein change: p.Val865=; no amino-acid change (valine 865 retained).
Molecular consequence: synonymous variant.
Genome position (GRCh38, 1-based): chr2:219,563,440, C>T on the plus strand (G>A on the coding strand, the complement: OBSL1 is on the minus strand). VCF-style: chr2-219563440-C-T. GRCh37 (hg19) VCF-style: chr2-220428162-C-T.
Other names: c.2595G>A, p.Val865= (NM_001173408.2, NM_001173431.2).
Identifiers: ClinVar variation 740835 (VCV000740835.33), dbSNP rs368895697, ClinGen allele CA2131170.

ClinVar aggregate classification (germline): Likely benign. Review status: criteria provided, multiple submitters, no conflicts (2 of 4 stars). 3 submissions from 3 submitters: Likely benign (3). Last evaluated 2025-12-31.

Allele frequency attached by ClinVar (database versions not stated): gnomAD exomes 0.00005 and 0.00010; ExAC 0.00006; gnomAD 0.00012 and 0.00014; TOPMed 0.00015; 1000 Genomes Project 30x 0.00016; ESP Exome Variant Server 0.00024.
gnomAD v4.1: 161 of 1,613,646 alleles (0.01%); highest among the groups gnomAD compares: African/African-American, 0.031%; no homozygotes.

Submissions (3):

Labcorp Genetics (formerly Invitae), Labcorp
Classification: Likely benign. Last evaluated: 2025-12-31. Review status: criteria provided, single submitter. Criteria: Invitae Variant Classification Sherloc (09022015). Collection method: clinical testing. Allele origin: germline.

Women's Health and Genetics/Laboratory Corporation of America, LabCorp
Classification: Likely benign. Last evaluated: 2025-12-30. Review status: criteria provided, single submitter. Criteria: LabCorp Variant Classification Summary - May 2015. Collection method: clinical testing. Allele origin: germline.

CeGaT Center for Human Genetics Tuebingen
Classification: Likely benign. Last evaluated: 2022-05-01. Review status: criteria provided, single submitter. Criteria: CeGaT Center For Human Genetics Tuebingen Variant Classification Criteria Version 2. Collection method: clinical testing. Allele origin: germline. Affected: yes. Observed: 1 variant allele.
Comment: OBSL1: BP4, BP7